The following is an entry in ClinVar:

NM_000038.6(APC):c.5332C>A (p.Pro1778Thr)

Gene: APC (APC regulator of Wnt signaling pathway; plus strand). Cytogenetic location: 5q22.2.
Variant type: single nucleotide variant.
Coding change: c.5332C>A on transcript NM_000038.6 (MANE Select); coding-DNA position 5332, C replaced by A.
Protein change: p.Pro1778Thr; replaces proline 1778 with threonine.
Molecular consequence: missense variant.
Genome position (GRCh38, 1-based): chr5:112,840,926, C>A. VCF-style: chr5-112840926-C-A. GRCh37 (hg19) VCF-style: chr5-112176623-C-A.
Other names: c.5332C>A, p.Pro1778Thr (NM_001127510.3, NM_001354895.2); c.5278C>A, p.Pro1760Thr (NM_001127511.3); c.5386C>A, p.Pro1796Thr (NM_001354896.2); c.5362C>A, p.Pro1788Thr (NM_001354897.2); c.5257C>A, p.Pro1753Thr (NM_001354898.2); c.5248C>A, p.Pro1750Thr (NM_001354899.2); c.5209C>A, p.Pro1737Thr (NM_001354900.2); c.5155C>A, p.Pro1719Thr (NM_001354901.2); and 5 more; short protein forms P1760T, P1778T, P1796T, P1495T, P1753T, P1618T, P1677T, P1687T.
Identifiers: ClinVar variation 629118 (VCV000629118.5), dbSNP rs1561599316, ClinGen allele CA16032987.

ClinVar aggregate classification (germline): Uncertain significance (1 of 4 stars; one submission).

Conditions:
Hereditary cancer-predisposing syndrome. Also called: Neoplastic Syndromes, Hereditary; Tumor predisposition; Hereditary neoplastic syndrome; Hereditary Cancer Syndrome. Identifiers: Orphanet 140162, MedGen C0027672, MeSH D009386, MONDO:0015356.

Submission:

Color Diagnostics, LLC DBA Color Health
Classification: Uncertain significance for Hereditary cancer-predisposing syndrome. Last evaluated: 2023-12-05. Review status: criteria provided, single submitter. Criteria: ACMG Guidelines, 2015. Collection method: clinical testing. Allele origin: germline.
Comment: This missense variant replaces proline with threonine at codon 1778 of the APC protein. Computational prediction suggests that this variant may not impact protein structure and function (internally defined REVEL score threshold <= 0.5, PMID: 27666373). To our knowledge, functional studies have not been reported for this variant. This variant has not been reported in individuals affected with APC-related disorders in the literature. This variant has not been identified in the general population by the Genome Aggregation Database (gnomAD). The available evidence is insufficient to determine the role of this variant in disease conclusively. Therefore, this variant is classified as a Variant of Uncertain Significance.